The following is an entry in ClinVar:

NM_032043.3(BRIP1):c.2010dup (p.Glu671Ter)

Gene: BRIP1 (BRCA1 interacting DNA helicase 1; minus strand). Cytogenetic location: 17q23.2.
Variant type: Duplication.
Coding change: c.2010dup on transcript NM_032043.3 (MANE Select); coding-DNA position 2010, one base duplicated (T; older notation c.2010dupT).
Protein change: p.Glu671Ter; replaces glutamic acid 671 with a stop codon.
Molecular consequence: nonsense.
Genome position (GRCh38, 1-based): chr17:61,776,488, A duplicated on the plus strand (T on the coding strand, the reverse complement: BRIP1 is on the minus strand); the first of 3 consecutive A bases (chr17:61,776,488-61,776,490); duplicating any one gives the same sequence. VCF-style (leftmost placement, unchanged base first): chr17-61776487-C-CA. GRCh37 (hg19) VCF-style: chr17-59853848-C-CA.
Other names: c.2010dupT (NM_032043.2); short protein forms E671*.
Identifiers: ClinVar variation 187476 (VCV000187476.43), dbSNP rs775537066, ClinGen allele CA197741.
Genomic context (GRCh38, chr17:61,776,487, plus strand): 5'-TTCCTTGGCTCACAGTCTGGCACACAGATAACAAAAGTGCTCCCACTTCATCTTGGAACT[C>CA]AAATGTTTCAGTATTCTGGAAGGTAGCACAGAGATTCCGACCCTTGGGGCCTGACCCAAT-3'

ClinVar aggregate classification (germline): Pathogenic/Likely pathogenic. Review status: criteria provided, multiple submitters, no conflicts (2 of 4 stars). 13 submissions from 13 submitters: Pathogenic (12); Likely pathogenic (1). Last evaluated 2025-11-27.

Conditions:
Inherited ovarian cancer (without breast cancer).
BRIP1-related disorder. Also called: BRIP1-related condition; BRIP1-related disorders. Identifiers: MedGen CN239206.
Familial cancer of breast. Also called: Hereditary breast cancer; BREAST CANCER, FAMILIAL; hereditary breast carcinoma. Identifiers: Orphanet 227535, MedGen C0346153, MONDO:0016419, OMIM 114480. Disease mechanism: loss of function.
Fanconi anemia complementation group J. Also called: BRIP1-Related Fanconi Anemia. Identifiers: Orphanet 84, MedGen C1836860, MONDO:0012187, OMIM 609054.
Hereditary cancer-predisposing syndrome. Also called: Neoplastic Syndromes, Hereditary; Tumor predisposition; Hereditary neoplastic syndrome; Hereditary Cancer Syndrome. Identifiers: Orphanet 140162, MedGen C0027672, MeSH D009386, MONDO:0015356.
Hereditary breast ovarian cancer syndrome. Also called: Hereditary breast and/or ovarian cancer syndrome; Hereditary breast and ovarian cancer syndrome; Hereditary breast and ovarian cancer; Hereditary breast and ovarian cancer syndrome (HBOC); Breast and ovarian cancer; BRCA1- and BRCA2-Associated Hereditary Breast and Ovarian Cancer. Identifiers: Orphanet 145, MedGen C0677776, MeSH D061325, MONDO:0003582. Disease mechanism: loss of function.

Submissions (13):

Labcorp Genetics (formerly Invitae), Labcorp
Classification: Pathogenic for Familial cancer of breast; Fanconi anemia complementation group J. Last evaluated: 2025-11-27. Review status: criteria provided, single submitter. Criteria: Invitae Variant Classification Sherloc (09022015). Collection method: clinical testing. Allele origin: germline.
Comment: This sequence change creates a premature translational stop signal (p.Glu671*) in the BRIP1 gene. It is expected to result in an absent or disrupted protein product. Loss-of-function variants in BRIP1 are known to be pathogenic (PMID: 16116423, 17033622, 21964575). This variant is present in population databases (rs775537066, gnomAD 0.002%). This premature translational stop signal has been observed in individual(s) with breast, ovarian, and peritoneal cancer (PMID: 17033622, 22006311, 26315354, 26921362). This variant is also known as 2008insT and 2010insT. ClinVar contains an entry for this variant (Variation ID: 187476). For these reasons, this variant has been classified as Pathogenic.

Color Diagnostics, LLC DBA Color Health
Classification: Pathogenic for Hereditary cancer-predisposing syndrome. Last evaluated: 2025-07-28. Review status: criteria provided, single submitter. Criteria: ACMG Guidelines, 2015. Collection method: clinical testing. Allele origin: germline.
Comment: This variant inserts 1 nucleotide in exon 14 of the BRIP1 gene, creating a frameshift and premature translation stop signal. This variant is expected to result in an absent or non-functional protein product. This variant has been reported in individuals affected with breast, ovarian, peritoneal, and colorectal cancer in the literature (PMID: 17033622, 22006311, 26315354, 26921362, 29368626, 30267214). This variant has been identified in 2/251302 chromosomes in the general population by the Genome Aggregation Database (gnomAD). Loss of BRIP1 function is a known mechanism of disease. Based on the available evidence, this variant is classified as Pathogenic.

GeneDx
Classification: Pathogenic. Last evaluated: 2025-03-07. Review status: criteria provided, single submitter. Criteria: GeneDx Variant Classification Process June 2021. Collection method: clinical testing. Allele origin: germline. Affected: yes.
Comment: Nonsense variant predicted to result in protein truncation or nonsense mediated decay in a gene for which loss of function is a known mechanism of disease; Not observed at significant frequency in large population cohorts (gnomAD); This variant is associated with the following publications: (PMID: 22006311, 17033622, 26315354, 26720728, 20346647, 19763819, 26921362, 30322717, 29368626, 30267214, 29922827, 31173646, 32359370, 21964575, 16116423, 28888541, 36169650)

Cambridge Genomics Laboratory, East Genomic Laboratory Hub, NHS Genomic Medicine Service
Classification: Pathogenic for Inherited ovarian cancer (without breast cancer). Last evaluated: 2025-03-03. Review status: criteria provided, single submitter. Criteria: ACGS Best Practice Guidelines for Variant Classification in Rare Disease 2020. Collection method: clinical testing. Allele origin: germline. Affected: yes.
Comment: PVS1,PM3

PreventionGenetics, part of Exact Sciences
Classification: Pathogenic for BRIP1-related condition. Last evaluated: 2024-12-27. Review status: criteria provided, single submitter. Criteria: ACMG Guidelines, 2015. Collection method: clinical testing. Allele origin: germline.
Comment: The BRIP1 c.2010dupT variant is predicted to result in premature protein termination (p.Glu671*). This variant has been reported primarily in individuals with breast or ovarian cancer but has also been reported in individuals with colorectal, peritoneal, and lung cancer (Seal et al. 2006. PubMed ID: 17033622; Supplementary Table 2, Ramus et al. 2015. PubMed ID: 26315354; Rosenthal et al. 2018. PubMed ID: 30267214; Table S2, Walsh et al. 2011. PubMed ID: 22006311; Table S6, Lee et al. 2023. PubMed ID: 37461096). This variant is reported in 0.0018% of alleles in individuals of European (non-Finnish) descent in gnomAD and is interpreted as pathogenic in ClinVar. Nonsense variants in BRIP1 are expected to be pathogenic. This variant is interpreted as pathogenic.

Genomics and Molecular Medicine Service, East Genomic Laboratory Hub, NHS Genomic Medicine Service
Classification: Likely pathogenic for Inherited ovarian cancer (without breast cancer). Last evaluated: 2024-11-19. Review status: criteria provided, single submitter. Criteria: ACGS Best Practice Guidelines for Variant Classification in Rare Disease 2020. Collection method: clinical testing. Allele origin: germline. Affected: yes.
Comment: PVS1

Ambry Genetics
Classification: Pathogenic for Hereditary cancer-predisposing syndrome. Last evaluated: 2024-08-26. Review status: criteria provided, single submitter. Criteria: Ambry Variant Classification Scheme 2023. Collection method: clinical testing. Allele origin: germline.
Comment: The c.2010dupT pathogenic mutation, located in coding exon 13 of the BRIP1 gene, results from a duplication of T at nucleotide position 2010, causing a translational frameshift with a predicted alternate stop codon (p.E671*). This alteration has been observed in individuals diagnosed with breast, ovarian, peritoneal and colorectal cancer (Seal S et al. Nat. Genet. 2006 Nov;38:1239-41; Walsh T et al. Proc. Natl. Acad. Sci. U.S.A. 2011 Nov;108:18032-7; Ramus SJ et al. J Natl Cancer Inst, 2015 Nov;107:; Easton DF et al. J Med Genet, 2016 05;53:298-309; Carter NJ et al. Gynecol Oncol, 2018 12;151:481-488; Rosenthal EA et al. Hum Genet, 2018 Oct;137:795-806; Weber-Lassalle N et al. Breast Cancer Res. 2018 Jan;20(1):7). In addition to the clinical data presented in the literature, this alteration is expected to result in loss of function by premature protein truncation or nonsense-mediated mRNA decay. As such, this alteration is interpreted as a disease-causing mutation.

Quest Diagnostics Nichols Institute San Juan Capistrano
Classification: Pathogenic. Last evaluated: 2024-03-29. Review status: criteria provided, single submitter. Criteria: Quest Diagnostics criteria. Collection method: clinical testing. Allele origin: unknown.
Comment: The BRIP1 c.2010dup (p.Glu671*) variant causes the premature termination of BRIP1 protein synthesis. This variant has been reported in the published literature in individuals with breast cancer (PMID: 17033622 (2006)), ovarian cancer (PMIDs: 30322717 (2018), 29368626 (2018), 26315354 (2015)), peritoneal cancer (PMID: 22006311 (2011)), and colorectal cancer (PMID: 30267214 (2018)). The frequency of this variant in the general population, 0.000008 (2/251302 chromosomes (Genome Aggregation Database)), is consistent with pathogenicity. Based on the available information, this variant is classified as pathogenic.

Baylor Genetics
Classification: Pathogenic for Familial cancer of breast. Last evaluated: 2024-02-16. Review status: criteria provided, single submitter. Criteria: ACMG Guidelines, 2015. Collection method: clinical testing. Allele origin: unknown.

Myriad Genetics, Inc.
Classification: Pathogenic for Familial cancer of breast. Last evaluated: 2023-06-05. Review status: criteria provided, single submitter. Criteria: Myriad Autosomal Dominant, Autosomal Recessive and X-Linked Classification Criteria (2023). Collection method: clinical testing. Allele origin: unknown.
Comment: This variant is considered pathogenic. This variant creates a termination codon and is predicted to result in premature protein truncation.

St. Jude Molecular Pathology, St. Jude Children's Research Hospital
Classification: Pathogenic for Hereditary breast and ovarian cancer syndrome. Last evaluated: 2021-05-21. Review status: criteria provided, single submitter. Criteria: St. Jude Assertion Criteria 2020. Collection method: clinical testing. Allele origin: germline.
Comment: The BRIP1 c.2010dup (p.Glu671Ter) change is a single nucleotide duplication that creates a premature stop codon and is predicted to cause protein truncation or absence of the protein due to nonsense mediated decay (PVS1). This variant has a maximum subpopulation frequency of 0.0018% in gnomAD v2.1.1 (PM2_supporting). This variant has been observed in individuals with breast cancer (PMID: 17033622, 26921362), ovarian cancer (PMID: 26315354, 29368626, 30322717), and peritoneal cancer (PMID: 22006311). This variant is absent in the FLOSSIES database which contains genetic variants from women older than 70 years of age who have never had cancer. In summary, this variant meets criteria to be classified as pathogenic based on the ACMG/AMP criteria: PVS1, PS4, PM2_supporting.

Women's Health and Genetics/Laboratory Corporation of America, LabCorp
Classification: Pathogenic for Hereditary breast and ovarian cancer syndrome. Last evaluated: 2020-01-07. Review status: criteria provided, single submitter. Criteria: LabCorp Variant Classification Summary - May 2015. Collection method: clinical testing. Allele origin: germline.
Comment: Variant summary: BRIP1 c.2010dupT (p.Glu671X) results in a premature termination codon, predicted to cause a truncation of the encoded protein or absence of the protein due to nonsense mediated decay, which are commonly known mechanisms for disease. Truncations downstream of this position have been classified as pathogenic by our laboratory. The variant allele was found at a frequency of 1.1e-05 in 261786 control chromosomes (gnomAD). c.2010dupT has been reported in the literature in individuals affected with Hereditary Breast and Ovarian Cancer (e.g. Seal_2006, Ramus_2015, Easton_2016, Weber-Lasalle_2018) . These data indicate that the variant is likely to be associated with disease. To our knowledge, no experimental evidence demonstrating an impact on protein function has been reported. Four clinical diagnostic laboratories have submitted clinical-significance assessments for this variant to ClinVar after 2014 without evidence for independent evaluation. All laboratories cited the variant as pathogenic. Based on the evidence outlined above, the variant was classified as pathogenic.

Revvity Omics, Revvity
Classification: Pathogenic for Fanconi anemia complementation group J. Last evaluated: 2019-05-10. Review status: criteria provided, single submitter. Criteria: ACMG Guidelines, 2015. Collection method: clinical testing. Allele origin: germline.

Literature cited by the submitters: PubMed 16116423 (cited by Labcorp Genetics (formerly Invitae), Labcorp); PubMed 17033622 (cited by 5 submitters); PubMed 21964575 (cited by Labcorp Genetics (formerly Invitae), Labcorp); PubMed 22006311 (cited by 5 submitters); PubMed 26315354 (cited by 5 submitters); PubMed 26921362 (cited by 4 submitters); PubMed 29368626 (cited by 4 submitters); PubMed 30267214 (cited by 3 submitters); PubMed 30322717 (cited by Ambry Genetics and Quest Diagnostics Nichols Institute San Juan Capistrano); PubMed 29922827 (cited by Women's Health and Genetics/Laboratory Corporation of America, LabCorp).